The following is an entry in ClinVar:

NC_000012.12:g.121626925T>G

Genes: ORAI1 (ORAI calcium release-activated calcium modulator 1; plus strand), LOC130008987 (ATAC-STARR-seq lymphoblastoid silent region 4981; plus strand). Cytogenetic location: 12q24.31.
Variant type: single nucleotide variant.
Molecular consequence: non-coding transcript variant (on NR_186857.1).
Genome position: GRCh38 VCF-style: chr12-121626925-T-G. GRCh37 (hg19) VCF-style: chr12-122064831-T-G.
Identifiers: ClinVar variation 4791605 (VCV004791605.1).

ClinVar aggregate classification (germline): Uncertain significance (1 of 4 stars; one submission).

Conditions:
Combined immunodeficiency due to ORAI1 deficiency. Also called: IMMUNODEFICIENCY 9. Identifiers: Orphanet 169090, Orphanet 317428, MedGen C2748568, MONDO:0013007, OMIM 612782.
Myopathy, tubular aggregate, 2 (TAM2). Identifiers: MedGen C4014557, MONDO:0014383, OMIM 615883.

Submission:

Labcorp Genetics (formerly Invitae), Labcorp
Classification: Uncertain significance for Myopathy, tubular aggregate, 2; Combined immunodeficiency due to ORAI1 deficiency. Last evaluated: 2025-12-03. Review status: criteria provided, single submitter. Criteria: Invitae Variant Classification Sherloc (09022015). Collection method: clinical testing. Allele origin: germline.
Comment: This sequence change replaces tyrosine, which is neutral and polar, with aspartic acid, which is acidic and polar, at codon 60 of the ORAI1 protein (p.Tyr60Asp). This variant is not present in population databases (gnomAD no frequency). This variant has not been reported in the literature in individuals affected with ORAI1-related conditions. Experimental studies and prediction algorithms are not available or were not evaluated, and the functional significance of this variant is currently unknown. In summary, the available evidence is currently insufficient to determine the role of this variant in disease. Therefore, it has been classified as a Variant of Uncertain Significance.